The following is an entry in ClinVar:

NM_001317950.2(AKNA):c.388G>A (p.Gly130Arg)

Gene: AKNA (AT-hook transcription factor; minus strand). Cytogenetic location: 9q32.
Variant type: single nucleotide variant.
Coding change: c.388G>A on transcript NM_001317950.2 (MANE Select); coding-DNA position 388, G replaced by A.
Protein change: p.Gly130Arg; replaces glycine 130 with arginine.
Molecular consequence: missense variant.
Genome position (GRCh38, 1-based): chr9:114,377,419, C>T on the plus strand (G>A on the coding strand, the complement: AKNA is on the minus strand). VCF-style: chr9-114377419-C-T. GRCh37 (hg19) VCF-style: chr9-117139699-C-T.
Other names: c.31G>A, p.Gly11Arg (NM_001317952.1); c.388G>A, p.Gly130Arg (NM_030767.5); short protein forms G11R, G130R.
Identifiers: ClinVar variation 2659449 (VCV002659449.24), dbSNP rs71505506, ClinGen allele CA5205405.

ClinVar aggregate classification (germline): Uncertain significance (1 of 4 stars; one submission).

Allele frequency attached by ClinVar (database versions not stated): ExAC 0.00002; gnomAD exomes 0.00002; 1000 Genomes Project 30x 0.00016; 1000 Genomes Project 0.00020; gnomAD 0.00001.
gnomAD v4.1: 36 of 1,613,780 alleles (0.0022%); highest among the groups gnomAD compares: South Asian, 0.0077%; no homozygotes.

Submission:

CeGaT Center for Human Genetics Tuebingen
Classification: Uncertain significance. Last evaluated: 2023-08-01. Review status: criteria provided, single submitter. Criteria: CeGaT Center For Human Genetics Tuebingen Variant Classification Criteria Version 2. Collection method: clinical testing. Allele origin: germline. Affected: yes. Observed: 1 variant allele.
Comment: AKNA: PM2, BP4